The following is an entry in ClinVar:

NM_025207.5(FLAD1):c.308C>T (p.Ser103Phe)

Gene: FLAD1 (flavin adenine dinucleotide synthetase 1; plus strand). Cytogenetic location: 1q21.3.
Variant type: single nucleotide variant.
Coding change: c.308C>T on transcript NM_025207.5 (MANE Select); coding-DNA position 308, C replaced by T.
Protein change: p.Ser103Phe; replaces serine 103 with phenylalanine.
Molecular consequence: missense variant. On other transcripts: 5 prime UTR variant (1).
Genome position (GRCh38, 1-based): chr1:154,984,002, C>T. VCF-style: chr1-154984002-C-T. GRCh37 (hg19) VCF-style: chr1-154956478-C-T.
Other names: c.17C>T, p.Ser6Phe (NM_001184891.2, NM_201398.3); c.-629C>T (NM_001184892.2); short protein forms S103F, S6F.
Identifiers: ClinVar variation 2209409 (VCV002209409.3), dbSNP rs368689507, ClinGen allele CA1134272.

ClinVar aggregate classification (germline): Uncertain significance. Review status: criteria provided, multiple submitters, no conflicts (2 of 4 stars). 2 submissions from 2 submitters: Uncertain significance (2). Last evaluated 2025-01-13.

Conditions:
Inborn genetic diseases. Identifiers: MedGen C0950123, MeSH D030342.

Allele frequency attached by ClinVar (database versions not stated): ExAC 0.00001; gnomAD 0.00001; ESP Exome Variant Server 0.00008.
gnomAD v4.1: 3 of 1,519,676 alleles (0.0002%); highest among the groups gnomAD compares: Admixed American, 0.0045%; no homozygotes.

Submissions (2):

GeneDx
Classification: Uncertain significance. Last evaluated: 2025-01-13. Review status: criteria provided, single submitter. Criteria: GeneDx Variant Classification Process June 2021. Collection method: clinical testing. Allele origin: germline. Affected: yes.
Comment: Not observed at significant frequency in large population cohorts (gnomAD); In silico analysis indicates that this missense variant does not alter protein structure/function; Has not been previously published as pathogenic or benign to our knowledge

Ambry Genetics
Classification: Uncertain significance for Inborn genetic diseases. Last evaluated: 2022-06-03. Review status: criteria provided, single submitter. Criteria: Ambry Variant Classification Scheme 2023. Collection method: clinical testing. Allele origin: germline.